The following is an entry in ClinVar:

ClinVar aggregate classification (germline): Pathogenic/Likely pathogenic. Review status: criteria provided, multiple submitters, no conflicts (2 of 4 stars). 2 submissions from 2 submitters: Pathogenic (1); Likely pathogenic (1). Last evaluated 2024-03-19.

Conditions:
Nemaline myopathy 2 (NEM2). Also called: Nemaline myopathy 2, autosomal recessive. Identifiers: MedGen C1850569, MONDO:0009725, OMIM 256030.
Arthrogryposis multiplex congenita 6. Identifiers: MedGen C5543431, MONDO:0030281, OMIM 619334.

Submissions (2):

Labcorp Genetics (formerly Invitae), Labcorp
Classification: Pathogenic for Nemaline myopathy 2. Last evaluated: 2024-03-19. Review status: criteria provided, single submitter. Criteria: Invitae Variant Classification Sherloc (09022015). Collection method: clinical testing. Allele origin: germline.
Comment: This sequence change creates a premature translational stop signal (p.Gln6344*) in the NEB gene. It is expected to result in an absent or disrupted protein product. Loss-of-function variants in NEB are known to be pathogenic (PMID: 25205138). This variant is not present in population databases (gnomAD no frequency). This variant has not been reported in the literature in individuals affected with NEB-related conditions. ClinVar contains an entry for this variant (Variation ID: 631828). Algorithms developed to predict the effect of sequence changes on RNA splicing suggest that this variant may disrupt the consensus splice site. For these reasons, this variant has been classified as Pathogenic.

Baylor Genetics
Classification: Likely pathogenic for Arthrogryposis multiplex congenita 6. Last evaluated: 2023-01-18. Review status: criteria provided, single submitter. Criteria: ACMG Guidelines, 2015. Collection method: clinical testing. Allele origin: unknown.

Literature cited by the submitters: PubMed 25205138 (cited by Labcorp Genetics (formerly Invitae), Labcorp).

NM_001164508.2(NEB):c.19030C>T (p.Gln6344Ter)

Gene: NEB (nebulin; minus strand). Cytogenetic location: 2q23.3.
Variant type: single nucleotide variant.
Coding change: c.19030C>T on transcript NM_001164508.2 (MANE Select); coding-DNA position 19030, C replaced by T.
Protein change: p.Gln6344Ter; replaces glutamine 6344 with a stop codon.
Molecular consequence: nonsense.
Genome position (GRCh38, 1-based): chr2:151,561,279, G>A on the plus strand (C>T on the coding strand, the complement: NEB is on the minus strand). VCF-style: chr2-151561279-G-A. GRCh37 (hg19) VCF-style: chr2-152417793-G-A.
Other names: c.19030C>T (NM_001271208.1); c.19030C>T, p.Gln6344Ter (NM_001164507.2, NM_001271208.2); c.13927C>T, p.Gln4643Ter (NM_004543.5); short protein forms Q4643*, Q6344*.
Identifiers: ClinVar variation 631828 (VCV000631828.10), dbSNP rs1559940778, ClinGen allele CA348795582.